The following is an entry in ClinVar:

NC_000009.12:g.35657733_35657802dup

Gene: RMRP (RNA component of mitochondrial RNA processing endoribonuclease; minus strand). Cytogenetic location: 9p13.3.
Variant type: Duplication.
Genome position: GRCh38: chr9:35,657,733-35,657,802. GRCh37 (hg19): chr9:35,657,730-35,657,799.
Identifiers: ClinVar variation 1166657 (VCV001166657.11), dbSNP rs1563906333, ClinGen allele CA587570146.

ClinVar aggregate classification (germline): Benign. Review status: reviewed by expert panel (3 of 4 stars). 3 submissions from 3 submitters: Benign (1). 2 of the submissions do not count toward it. Last evaluated 2026-09-02.

Conditions:
Metaphyseal chondrodysplasia, McKusick type (CHH). Also called: Cartilage-Hair Hypoplasia (CHH); Cartilage-hair hypoplasia. Identifiers: Orphanet 175, MedGen C0220748, MONDO:0009595, OMIM 250250.
Anauxetic dysplasia. Identifiers: Orphanet 93347, MedGen C1846796, MONDO:0011773.

Allele frequency attached by ClinVar (database versions not stated): gnomAD exomes 0.00291 and 0.00418.

Submissions (3):

ClinGen Severe Combined Immunodeficiency Variant Curation Expert Panel, ClinGen
Classification: Benign for Metaphyseal chondrodysplasia, McKusick type. Last evaluated: 2026-09-02. Review status: reviewed by expert panel. Criteria: ClinGen SCID ACMG Specifications RMRP V1.3. Collection method: curation. Allele origin: germline. Inheritance: Autosomal recessive inheritance.
Comment: The Grpmax filtering allele frequency of NC_000009.12:g.35657733_35657802dup variant in gnomAD v4.1.1 (African/African American population) is 0.06799, which is higher than the ClinGen SCID VCEP threshold (>0.00400) for BA1, and therefore meets this criterion (BA1). This variant is observed in 192 homozygotes in gnomAD v4.1.1. So BS2 met. Therefore, this variant is classified as benign for autosomal recessive cartilage-hair hypoplasia based on the ACMG/AMP criteria applied, as specified by the ClinGen SCID VCEP: BA1. (VCEP specifications version 1.3.0) [Evidences: BA1, BS2]

Labcorp Genetics (formerly Invitae), Labcorp
Classification: Benign for Anauxetic dysplasia. Last evaluated: 2026-02-02. Review status: criteria provided, single submitter. Criteria: Invitae Variant Classification Sherloc (09022015). Collection method: clinical testing. Allele origin: germline. Not counted in ClinVar's aggregate classification.

ARUP Laboratories, Molecular Genetics and Genomics, ARUP Laboratories
Classification: Benign. Last evaluated: 2024-07-19. Review status: criteria provided, single submitter. Criteria: ARUP Molecular Germline Variant Investigation Process 2024. Collection method: clinical testing. Allele origin: germline. Not counted in ClinVar's aggregate classification.